The following is an entry in ClinVar:

ClinVar aggregate classification (germline): Uncertain significance (1 of 4 stars; one submission).

Conditions:
Cardiovascular phenotype. Identifiers: MedGen CN230736.

Submission:

Ambry Genetics
Classification: Uncertain significance for Cardiovascular phenotype. Last evaluated: 2023-06-22. Review status: criteria provided, single submitter. Criteria: Ambry Variant Classification Scheme 2023. Collection method: clinical testing. Allele origin: germline.
Comment: The p.I75V variant (also known as c.223A>G), located in coding exon 2 of the FKBP14 gene, results from an A to G substitution at nucleotide position 223. The isoleucine at codon 75 is replaced by valine, an amino acid with highly similar properties. This amino acid position is conserved. In addition, this alteration is predicted to be tolerated by in silico analysis. Since supporting evidence is limited at this time, the clinical significance of this alteration remains unclear.

NM_017946.4(FKBP14):c.223A>G (p.Ile75Val)

Genes: FKBP14 (FKBP prolyl isomerase 14; minus strand), FKBP14-AS1 (FKBP14 antisense RNA 1; plus strand). Cytogenetic location: 7p14.3.
Variant type: single nucleotide variant.
Coding change: c.223A>G on transcript NM_017946.4 (MANE Select); coding-DNA position 223, A replaced by G.
Protein change: p.Ile75Val; replaces isoleucine 75 with valine.
Molecular consequence: missense variant. On other transcripts: non-coding transcript variant (1).
Genome position (GRCh38, 1-based): chr7:30,022,791, T>C on the plus strand (A>G on the coding strand, the complement: FKBP14 is on the minus strand). VCF-style: chr7-30022791-T-C. GRCh37 (hg19) VCF-style: chr7-30062407-T-C.
Other names: short protein forms I75V.
Identifiers: ClinVar variation 2625794 (VCV002625794.2), dbSNP rs2483522670, ClinGen allele CA367117570.